The following is an entry in ClinVar:

ClinVar aggregate classification (germline): Pathogenic (1 of 4 stars; one submission).

Conditions:
Inborn genetic diseases. Identifiers: MedGen C0950123, MeSH D030342.

Submission:

Ambry Genetics
Classification: Pathogenic for Inborn genetic diseases. Last evaluated: 2025-04-30. Review status: criteria provided, single submitter. Criteria: Ambry Variant Classification Scheme 2023. Collection method: clinical testing. Allele origin: germline.
Comment: The c.1641_1642dupCA (p.S548Tfs*74) alteration, located in exon 8 (coding exon 8) of the EXT1 gene, consists of a duplication of CA at position 1641, causing a translational frameshift with a predicted alternate stop codon after 74 amino acids. This alteration is expected to result in loss of function by premature protein truncation or nonsense-mediated mRNA decay. This variant was not reported in population-based cohorts in the Genome Aggregation Database (gnomAD). Based on the available evidence, this alteration is classified as pathogenic.

NM_000127.3(EXT1):c.1641_1642dup (p.Ser548fs)

Gene: EXT1 (exostosin glycosyltransferase 1; minus strand). Cytogenetic location: 8q24.11.
Variant type: Duplication.
Coding change: c.1641_1642dup on transcript NM_000127.3 (MANE Select); coding-DNA positions 1641 to 1642, 2 bases duplicated (CA; older notation c.1641_1642dupCA).
Protein change: p.Ser548fs; shifts the reading frame from serine 548.
Molecular consequence: frameshift variant.
Genome position (GRCh38, 1-based): chr8:117,812,952-117,812,953, TG duplicated on the plus strand (CA on the coding strand, the reverse complement: EXT1 is on the minus strand). VCF-style (leftmost placement, unchanged base first): chr8-117812951-C-CTG. GRCh37 (hg19) VCF-style: chr8-118825190-C-CTG.
Other names: c.1641_1642dupCA (NM_000127.2); short protein forms S548fs.
Identifiers: ClinVar variation 4020574 (VCV004020574.1).